The following is an entry in ClinVar:

ClinVar aggregate classification (germline): Uncertain significance (1 of 4 stars; one submission).

Conditions:
Malignant hyperthermia, susceptibility to, 1 (MHS1). Also called: Anesthesia related hyperthermia; Malignant hyperpyrexia; Fulminating hyperpyrexia; Pharmacogenic myopathy; RYR1-Related Malignant Hyperthermia Susceptibility; Malignant hyperthermia suceptibility 1. Identifiers: Orphanet 423, MedGen C2930980, MONDO:0007783, OMIM 145600.

Submission:

All of Us Research Program, National Institutes of Health
Classification: Uncertain significance for Malignant hyperthermia, susceptibility to, 1. Last evaluated: 2023-11-20. Review status: criteria provided, single submitter. Criteria: ACMG Guidelines, 2015. Collection method: clinical testing. Allele origin: germline. Inheritance: Autosomal dominant inheritance. Observed: 1 variant allele, 1 heterozygote.
Comment: This missense variant replaces threonine with asparagine at codon 3040 of the RYR1 protein. Computational prediction suggests that this variant may not impact protein structure and function (internally defined REVEL score threshold <= 0.5, PMID: 27666373). To our knowledge, functional studies have not been reported for this variant. This variant has not been reported in individuals affected with RYR1-related disorders in the literature. This variant has not been identified in the general population by the Genome Aggregation Database (gnomAD). The available evidence is insufficient to determine the role of this variant in disease conclusively. Therefore, this variant is classified as a Variant of Uncertain Significance.

This study involves interpretation of variants in research participants for the purpose of population health screening. Participant phenotype was not available at the time of variant classification. Additional details can be found in publication PMID: 35346344, PMCID: PMC8962531

NM_000540.3(RYR1):c.9119C>A (p.Thr3040Asn)

Gene: RYR1 (ryanodine receptor 1; plus strand). Cytogenetic location: 19q13.2.
Variant type: single nucleotide variant.
Coding change: c.9119C>A on transcript NM_000540.3 (MANE Select); coding-DNA position 9119, C replaced by A.
Protein change: p.Thr3040Asn; replaces threonine 3040 with asparagine.
Molecular consequence: missense variant.
Genome position (GRCh38, 1-based): chr19:38,510,778, C>A. VCF-style: chr19-38510778-C-A. GRCh37 (hg19) VCF-style: chr19-39001418-C-A.
Other names: c.9119C>A, p.Thr3040Asn (NM_001042723.2); short protein forms T3040N.
Identifiers: ClinVar variation 3074650 (VCV003074650.1), dbSNP rs2514395592, ClinGen allele CA405684153.